The following is an entry in ClinVar:

NM_000070.3(CAPN3):c.946-1G>A

Gene: CAPN3 (calpain 3; plus strand). Cytogenetic location: 15q15.1.
Variant type: single nucleotide variant.
Coding change: c.946-1G>A on transcript NM_000070.3 (MANE Select); the canonical splice acceptor site of the intron before coding-DNA position 946, G replaced by A.
Molecular consequence: splice acceptor variant.
Genome position (GRCh38, 1-based): chr15:42,392,638, G>A. VCF-style: chr15-42392638-G-A. GRCh37 (hg19) VCF-style: chr15-42684836-G-A.
Other names: IVS6-1G>A; c.946-1G>A (NM_024344.2); c.802-1G>A (NM_173087.2).
Identifiers: ClinVar variation 21036 (VCV000021036.12), dbSNP rs80338801, ClinGen allele CA341532.

ClinVar aggregate classification (germline): Pathogenic. Review status: criteria provided, multiple submitters, no conflicts (2 of 4 stars). 3 submissions from 3 submitters: Pathogenic (2). 1 of the submissions does not count toward it. Last evaluated 2024-10-07.

Conditions:
Autosomal recessive limb-girdle muscular dystrophy type 2A (LGMDR1). Also called: Limb-girdle muscular dystrophy, type 2A; LEYDEN-MOEBIUS MUSCULAR DYSTROPHY; MUSCULAR DYSTROPHY, PELVOFEMORAL; Muscular dystrophy, limb-girdle, type 2A, Amish; Calpainopathy. Identifiers: Orphanet 267, MedGen C1869123, MONDO:0009675, OMIM 253600. Disease mechanism: loss of function.

gnomAD v4.1: 1 of 1,613,266 alleles (0.000062%); no homozygotes.

Submissions (3):

Natera, Inc.
Classification: Pathogenic for Limb-girdle muscular dystrophy type 2A. Last evaluated: 2024-10-07. Review status: criteria provided, single submitter. Criteria: Natera Variant Classification Schema (03/2026). Collection method: clinical testing. Allele origin: germline.
Comment: The c.946-1G>A variant in CAPN3 is a canonical splice acceptor site variant predicted to affect pre-mRNA splicing, which may result in an abnormal transcript and altered protein product. This variant is expected to result in nonsense mediated decay, truncation, or a dysfunctional protein product. This variant is rare in the general population with a frequency below the threshold expected for the associated phenotype(s). This variant has been observed in one or more individuals affected with the associated recessive disease, as either homozygous or compound heterozygous with a second variant (PMID: 9655129, 17236769, 9777948). Additionally, this variant has been observed to segregate in affected family members (PMID: 9655129). Functional studies show that this variant may disrupt protein function (PMID: 9777948). Given the available evidence, this variant is classified as Pathogenic.

Labcorp Genetics (formerly Invitae), Labcorp
Classification: Pathogenic for Autosomal recessive limb-girdle muscular dystrophy type 2A. Last evaluated: 2020-06-30. Review status: criteria provided, single submitter. Criteria: Invitae Variant Classification Sherloc (09022015). Collection method: clinical testing. Allele origin: germline.
Comment: Donor and acceptor splice site variants typically lead to a loss of protein function (PMID: 16199547), and loss-of-function variants in CAPN3 are known to be pathogenic (PMID: 10330340, 15689361). This sequence change affects an acceptor splice site in intron 6 of the CAPN3 gene. It is expected to disrupt RNA splicing and likely results in an absent or disrupted protein product. Experimental studies have shown that this variant disrupts mRNA splicing (PMID: 7720071). This variant has been observed in individual(s) with limb-girdle muscular dystrophy (PMID: 7720071, 17236769, 16650086, 8624690). It has also been observed to segregate with disease in related individuals. ClinVar contains an entry for this variant (Variation ID: 21036). This variant is not present in population databases (ExAC no frequency). For these reasons, this variant has been classified as Pathogenic.

GeneReviews
No classification provided. Condition: Autosomal recessive limb-girdle muscular dystrophy type 2A. Review status: no classification provided. Collection method: literature only. Allele origin: germline. Not counted in ClinVar's aggregate classification.

Literature cited by the submitters: PubMed 9655129 (cited by Natera, Inc.); PubMed 17236769 (cited by Natera, Inc. and Labcorp Genetics (formerly Invitae), Labcorp); PubMed 9777948 (cited by Natera, Inc. and GeneReviews); PubMed 16199547 (cited by Labcorp Genetics (formerly Invitae), Labcorp); PubMed 10330340 (cited by Labcorp Genetics (formerly Invitae), Labcorp); PubMed 15689361 (cited by Labcorp Genetics (formerly Invitae), Labcorp); PubMed 7720071 (cited by Labcorp Genetics (formerly Invitae), Labcorp); PubMed 16650086 (cited by Labcorp Genetics (formerly Invitae), Labcorp); PubMed 8624690 (cited by Labcorp Genetics (formerly Invitae), Labcorp and GeneReviews).